The following is an entry in ClinVar:

NM_013280.5(FLRT1):c.1253G>A (p.Gly418Glu)

Genes: FLRT1 (fibronectin leucine rich transmembrane protein 1; plus strand), MACROD1 (mono-ADP ribosylhydrolase 1; minus strand). Cytogenetic location: 11q13.1.
Variant type: single nucleotide variant.
Coding change: c.1253G>A on transcript NM_013280.5 (MANE Select); coding-DNA position 1253, G replaced by A.
Protein change: p.Gly418Glu; replaces glycine 418 with glutamic acid.
Molecular consequence: missense variant. On other transcripts: intron variant (2).
Genome position (GRCh38, 1-based): chr11:64,117,520, G>A. VCF-style: chr11-64117520-G-A. GRCh37 (hg19) VCF-style: chr11-63884992-G-A.
Other names: c.1253G>A, p.Gly418Glu (NM_001384466.1); c.1169G>A, p.Gly390Glu (NM_001423967.1); c.517+33719C>T (NM_001411019.1, NM_014067.4); short protein forms G418E, G390E.
Identifiers: ClinVar variation 568577 (VCV000568577.9), dbSNP rs769032516, ClinGen allele CA6067666.

ClinVar aggregate classification (germline): Uncertain significance (1 of 4 stars; one submission).

Conditions:
Peripheral neuropathy. Also called: Neuropathy. Identifiers: MedGen C0031117, MONDO:0005244, HP:0009830.

Allele frequency attached by ClinVar (database versions not stated): TOPMed below 0.00001; ExAC 0.00001; gnomAD exomes below 0.00001.
gnomAD v4.1: 2 of 1,605,648 alleles (0.00012%); highest among the groups gnomAD compares: Non-Finnish European, 0.00017%; no homozygotes.

Submission:

Labcorp Genetics (formerly Invitae), Labcorp
Classification: Uncertain significance for Peripheral neuropathy. Last evaluated: 2021-02-09. Review status: criteria provided, single submitter. Criteria: Invitae Variant Classification Sherloc (09022015). Collection method: clinical testing. Allele origin: germline.
Comment: In summary, the available evidence is currently insufficient to determine the role of this variant in disease. Therefore, it has been classified as a Variant of Uncertain Significance. Algorithms developed to predict the effect of missense changes on protein structure and function do not agree on the potential impact of this missense change (SIFT: "Deleterious"; PolyPhen-2: "Benign"; Align-GVGD: "Class C0"). This variant has not been reported in the literature in individuals with FLRT1-related disease. The frequency data for this variant in the population databases is considered unreliable, as metrics indicate poor data quality at this position in the ExAC database. This sequence change replaces glycine with glutamic acid at codon 418 of the FLRT1 protein (p.Gly418Glu). The glycine residue is highly conserved and there is a moderate physicochemical difference between glycine and glutamic acid.